The following is an entry in ClinVar:

ClinVar aggregate classification (germline): Uncertain significance. Review status: criteria provided, multiple submitters, no conflicts (2 of 4 stars). 2 submissions from 2 submitters: Uncertain significance (2). Last evaluated 2025-09-05.

Conditions:
Tuberous sclerosis 1 (TSC1). Identifiers: Orphanet 805, MedGen C1854465, MONDO:0008612, OMIM 191100.
Hereditary cancer-predisposing syndrome. Also called: Hereditary Cancer Syndrome; Hereditary neoplastic syndrome; Tumor predisposition; Neoplastic Syndromes, Hereditary. Identifiers: Orphanet 140162, MedGen C0027672, MeSH D009386, MONDO:0015356.

Submissions (2):

Ambry Genetics
Classification: Uncertain significance for Hereditary cancer-predisposing syndrome. Last evaluated: 2025-09-05. Review status: criteria provided, single submitter. Criteria: Ambry Variant Classification Scheme 2023. Collection method: clinical testing. Allele origin: germline.
Comment: The p.S946G variant (also known as c.2836A>G), located in coding exon 20 of the TSC1 gene, results from an A to G substitution at nucleotide position 2836. The serine at codon 946 is replaced by glycine, an amino acid with similar properties. This amino acid position is well conserved in available vertebrate species. In addition, this alteration is predicted to be tolerated by in silico analysis. Based on the available evidence, the clinical significance of this variant remains unclear.

Labcorp Genetics (formerly Invitae), Labcorp
Classification: Uncertain significance for Tuberous sclerosis 1. Last evaluated: 2023-04-14. Review status: criteria provided, single submitter. Criteria: Invitae Variant Classification Sherloc (09022015). Collection method: clinical testing. Allele origin: germline.
Comment: ClinVar contains an entry for this variant (Variation ID: 1355005). Advanced modeling of protein sequence and biophysical properties (such as structural, functional, and spatial information, amino acid conservation, physicochemical variation, residue mobility, and thermodynamic stability) performed at Invitae indicates that this missense variant is not expected to disrupt TSC1 protein function. In summary, the available evidence is currently insufficient to determine the role of this variant in disease. Therefore, it has been classified as a Variant of Uncertain Significance. This sequence change replaces serine, which is neutral and polar, with glycine, which is neutral and non-polar, at codon 946 of the TSC1 protein (p.Ser946Gly). This variant is not present in population databases (gnomAD no frequency). This variant has not been reported in the literature in individuals affected with TSC1-related conditions.

NM_000368.5(TSC1):c.2836A>G (p.Ser946Gly)

Gene: TSC1 (TSC complex subunit 1; minus strand). Cytogenetic location: 9q34.13.
Variant type: single nucleotide variant.
Coding change: c.2836A>G on transcript NM_000368.5 (MANE Select); coding-DNA position 2836, A replaced by G.
Protein change: p.Ser946Gly; replaces serine 946 with glycine.
Molecular consequence: missense variant.
Genome position (GRCh38, 1-based): chr9:132,897,323, T>C on the plus strand (A>G on the coding strand, the complement: TSC1 is on the minus strand). VCF-style: chr9-132897323-T-C. GRCh37 (hg19) VCF-style: chr9-135772710-T-C.
Other names: c.2833A>G, p.Ser945Gly (NM_001162426.2); c.2683A>G, p.Ser895Gly (NM_001162427.2); c.2473A>G, p.Ser825Gly (NM_001362177.2); short protein forms S825G, S945G, S895G, S946G.
Identifiers: ClinVar variation 1355005 (VCV001355005.9), dbSNP rs1060503225, ClinGen allele CA375368906.